The following is an entry in ClinVar:

ClinVar aggregate classification (germline): Uncertain significance (1 of 4 stars; one submission).

Conditions:
USH2A-related disorder. Also called: USH2A-related disorders; USH2A-related condition. Identifiers: MedGen CN239332.

Submission:

Myriad Genetics, Inc.
Classification: Uncertain significance for USH2A-related disorder. Last evaluated: 2025-09-17. Review status: criteria provided, single submitter. Criteria: Myriad Autosomal Dominant, Autosomal Recessive and X-Linked Classification Criteria (2023). Collection method: clinical testing. Allele origin: unknown.
Comment: NM_206933.2(USH2A):c.1804G>A(G602R) is a missense variant classified as a variant of uncertain significance in the context of USH2A-related disorders. G602R has been observed in cases with relevant disease (PMID: 32176120, 38819824). Relevant functional assessments of this variant are not available in the literature. G602R has not been observed in referenced population frequency databases. In summary, there is insufficient evidence to classify NM_206933.2(USH2A):c.1804G>A(G602R) as pathogenic or benign. Please note: this variant was assessed in the context of healthy population screening.

Literature cited by the submitters: PubMed 32176120; PubMed 38819824.

NM_206933.4(USH2A):c.1804G>A (p.Gly602Arg)

Gene: USH2A (usherin; minus strand). Cytogenetic location: 1q41.
Variant type: single nucleotide variant.
Coding change: c.1804G>A on transcript NM_206933.4 (MANE Select); coding-DNA position 1804, G replaced by A.
Protein change: p.Gly602Arg; replaces glycine 602 with arginine.
Molecular consequence: missense variant.
Genome position (GRCh38, 1-based): chr1:216,292,211, C>T on the plus strand (G>A on the coding strand, the complement: USH2A is on the minus strand). VCF-style: chr1-216292211-C-T. GRCh37 (hg19) VCF-style: chr1-216465553-C-T.
Other names: c.1804G>A, p.Gly602Arg (NM_007123.6); short protein forms G602R.
Identifiers: ClinVar variation 5003742 (VCV005003742.1).